The following is an entry in ClinVar:

NM_000088.4(COL1A1):c.3027del (p.Gly1010fs)

Gene: COL1A1 (collagen type I alpha 1 chain; minus strand). Cytogenetic location: 17q21.33.
Variant type: Deletion.
Coding change: c.3027del on transcript NM_000088.4 (MANE Select); coding-DNA position 3027, one base deleted (T; older notation c.3027delT).
Protein change: p.Gly1010fs; shifts the reading frame from glycine 1010.
Molecular consequence: frameshift variant.
Genome position (GRCh38, 1-based): chr17:50,188,921, A deleted on the plus strand (T on the coding strand, the reverse complement: COL1A1 is on the minus strand). VCF-style (leftmost placement, unchanged base first): chr17-50188920-CA-C. GRCh37 (hg19) VCF-style: chr17-48266281-CA-C.
Other names: short protein forms G1010fs.
Identifiers: ClinVar variation 4710403 (VCV004710403.1).

ClinVar aggregate classification (germline): Pathogenic (1 of 4 stars; one submission).

Conditions:
Osteogenesis imperfecta type I (OI1). Also called: OI, TYPE I; OSTEOGENESIS IMPERFECTA TARDA; OSTEOGENESIS IMPERFECTA WITH BLUE SCLERAE; Osteogenesis imperfecta type 1; Classic Non-deforming Osteogenesis Imperfecta with Blue Sclerae; Lobstein's Disease. Identifiers: Orphanet 216796, Orphanet 666, MedGen C0023931, MONDO:0008146, OMIM 166200. Disease mechanism: loss of function.

Submission:

Labcorp Genetics (formerly Invitae), Labcorp
Classification: Pathogenic for Osteogenesis imperfecta type I. Last evaluated: 2025-04-23. Review status: criteria provided, single submitter. Criteria: Invitae Variant Classification Sherloc (09022015). Collection method: clinical testing. Allele origin: germline.
Comment: This sequence change creates a premature translational stop signal (p.Gly1010Valfs*98) in the COL1A1 gene. It is expected to result in an absent or disrupted protein product. Loss-of-function variants in COL1A1 are known to be pathogenic (PMID: 7942841, 9295084, 9443882). This variant is not present in population databases (gnomAD no frequency). This premature translational stop signal has been observed in individual(s) with osteogenesis imperfecta (PMID: 19358256). For these reasons, this variant has been classified as Pathogenic.

Literature cited by the submitters: PubMed 7942841; PubMed 9295084; PubMed 9443882; PubMed 19358256.